The following is an entry in ClinVar:

ClinVar aggregate classification (germline): Uncertain significance. Review status: criteria provided, multiple submitters, no conflicts (2 of 4 stars). 4 submissions from 4 submitters: Uncertain significance (4). Last evaluated 2024-08-15.

Conditions:
Hereditary nonpolyposis colorectal neoplasms. Identifiers: MedGen C0009405, MeSH D003123.
Hereditary cancer-predisposing syndrome. Also called: Hereditary Cancer Syndrome; Hereditary neoplastic syndrome; Neoplastic Syndromes, Hereditary; Tumor predisposition. Identifiers: Orphanet 140162, MedGen C0027672, MeSH D009386, MONDO:0015356.

Submissions (4):

Labcorp Genetics (formerly Invitae), Labcorp
Classification: Uncertain significance for Hereditary nonpolyposis colorectal neoplasms. Last evaluated: 2024-08-15. Review status: criteria provided, single submitter. Criteria: Invitae Variant Classification Sherloc (09022015). Collection method: clinical testing. Allele origin: germline.
Comment: This sequence change replaces leucine, which is neutral and non-polar, with valine, which is neutral and non-polar, at codon 735 of the MSH6 protein (p.Leu735Val). This variant is not present in population databases (gnomAD no frequency). This variant has not been reported in the literature in individuals affected with MSH6-related conditions. ClinVar contains an entry for this variant (Variation ID: 455179). Invitae Evidence Modeling of protein sequence and biophysical properties (such as structural, functional, and spatial information, amino acid conservation, physicochemical variation, residue mobility, and thermodynamic stability) has been performed for this missense variant. However, the output from this modeling did not meet the statistical confidence thresholds required to predict the impact of this variant on MSH6 protein function. In summary, the available evidence is currently insufficient to determine the role of this variant in disease. Therefore, it has been classified as a Variant of Uncertain Significance.

Ambry Genetics
Classification: Uncertain significance for Hereditary cancer-predisposing syndrome. Last evaluated: 2024-02-01. Review status: criteria provided, single submitter. Criteria: Ambry Variant Classification Scheme 2023. Collection method: clinical testing. Allele origin: germline.
Comment: The p.L735V variant (also known as c.2203C>G), located in coding exon 4 of the MSH6 gene, results from a C to G substitution at nucleotide position 2203. The leucine at codon 735 is replaced by valine, an amino acid with highly similar properties. This amino acid position is highly conserved in available vertebrate species. In addition, the in silico prediction for this alteration is inconclusive. Based on the available evidence, the clinical significance of this alteration remains unclear.

Sema4
Classification: Uncertain significance for Hereditary cancer-predisposing syndrome. Last evaluated: 2021-09-18. Review status: criteria provided, single submitter. Criteria: Sema4 Curation Guidelines. Collection method: curation. Allele origin: germline.
Comment: To the best of our knowledge, the MSH6 c.2203C>G (p.L735V) variant has not been reported in individuals with MSH6-related disease. This variant is not reported in the population database Genome Aggregation Database (PMID: 32461654). The variant has been reported in ClinVar (Variation ID 455179). Functional studies have not been performed, and in silico predictions of the variant's effect on protein function are inconclusive. The evidence is insufficient to meet ACMG/AMP criteria for classifying the variant as benign or pathogenic. Thus, the clinical significance of this variant is currently uncertain.

Color Diagnostics, LLC DBA Color Health
Classification: Uncertain significance for Hereditary cancer-predisposing syndrome. Last evaluated: 2021-07-07. Review status: criteria provided, single submitter. Criteria: ACMG Guidelines, 2015. Collection method: clinical testing. Allele origin: germline.
Comment: This missense variant replaces leucine with valine at codon 735 of the MSH6 protein. Computational prediction is inconclusive regarding the impact of this variant on protein structure and function (internally defined REVEL score threshold 0.5 < inconclusive < 0.7, PMID: 27666373). To our knowledge, functional studies have not been reported for this variant. This variant has not been reported in individuals affected with hereditary cancer in the literature. This variant has not been identified in the general population by the Genome Aggregation Database (gnomAD). The available evidence is insufficient to determine the role of this variant in disease conclusively. Therefore, this variant is classified as a Variant of Uncertain Significance.

NM_000179.3(MSH6):c.2203C>G (p.Leu735Val)

Gene: MSH6 (mutS homolog 6; plus strand). Cytogenetic location: 2p16.3.
Variant type: single nucleotide variant.
Coding change: c.2203C>G on transcript NM_000179.3 (MANE Select); coding-DNA position 2203, C replaced by G.
Protein change: p.Leu735Val; replaces leucine 735 with valine.
Molecular consequence: missense variant.
Genome position (GRCh38, 1-based): chr2:47,800,186, C>G. VCF-style: chr2-47800186-C-G. GRCh37 (hg19) VCF-style: chr2-48027325-C-G.
Other names: c.1813C>G, p.Leu605Val (NM_001281492.2); c.1297C>G, p.Leu433Val (NM_001281493.2, NM_001281494.2); short protein forms L735V, L605V, L433V.
Identifiers: ClinVar variation 455179 (VCV000455179.13), dbSNP rs786204071, ClinGen allele CA346751383.